The following is an entry in ClinVar:

ClinVar aggregate classification (germline): Likely benign. Review status: criteria provided, multiple submitters, no conflicts (2 of 4 stars). 2 submissions from 2 submitters: Likely benign (2). Last evaluated 2025-12-15.

Conditions:
Developmental and epileptic encephalopathy, 12 (DEE12). Identifiers: MedGen C3150988, MONDO:0013389, OMIM 613722.

Allele frequency attached by ClinVar (database versions not stated): gnomAD 0.00007; ExAC 0.00008; gnomAD exomes 0.00008 and 0.00013; TOPMed 0.00012; ESP Exome Variant Server 0.00015.
gnomAD v4.1: 193 of 1,613,926 alleles (0.012%); highest among the groups gnomAD compares: Non-Finnish European, 0.015%; no homozygotes.

Submissions (2):

Labcorp Genetics (formerly Invitae), Labcorp
Classification: Likely benign for Developmental and epileptic encephalopathy, 12. Last evaluated: 2025-12-15. Review status: criteria provided, single submitter. Criteria: Invitae Variant Classification Sherloc (09022015). Collection method: clinical testing. Allele origin: germline.

CeGaT Center for Human Genetics Tuebingen
Classification: Likely benign. Last evaluated: 2022-08-01. Review status: criteria provided, single submitter. Criteria: CeGaT Center For Human Genetics Tuebingen Variant Classification Criteria Version 2. Collection method: clinical testing. Allele origin: germline. Affected: yes. Observed: 1 variant allele.
Comment: PLCB1: BP4, BP7

NM_015192.4(PLCB1):c.1275G>A (p.Ala425=)

Gene: PLCB1 (phospholipase C beta 1; plus strand). Cytogenetic location: 20p12.3.
Variant type: single nucleotide variant.
Coding change: c.1275G>A on transcript NM_015192.4 (MANE Select); coding-DNA position 1275, G replaced by A.
Protein change: p.Ala425=; no amino-acid change (alanine 425 retained).
Molecular consequence: synonymous variant.
Genome position (GRCh38, 1-based): chr20:8,716,288, G>A. VCF-style: chr20-8716288-G-A. GRCh37 (hg19) VCF-style: chr20-8696935-G-A.
Other names: c.1275G>A, p.Ala425= (NM_182734.3).
Identifiers: ClinVar variation 696811 (VCV000696811.35), dbSNP rs143366963, ClinGen allele CA9759921.
Genomic context (GRCh38, chr20:8,716,288, plus strand): 5'-CCCTACTTTCCTTCTTCTGTTCTTGTTCTCCCTTAGCCCAAAGCAGCAAGCCAAGATGGC[G>A]GAGTACTGCCGACTGATCTTTGGGGATGCCCTTCTCATGGAGCCCCTGGAAAAATATCCA-3'
Protein context (NP_056007.1, residues 415-435): VDSPKQQAKM[Ala425=]EYCRLIFGDA